The following is an entry in ClinVar:

ClinVar aggregate classification (germline): Uncertain significance (1 of 4 stars; one submission).

Conditions:
Kabuki syndrome 2 (KABUK2). Also called: KDM6A-Related Kabuki Syndrome. Identifiers: Orphanet 2322, MedGen C3275495, MONDO:0010465, OMIM 300867.

gnomAD v4.1: 2 of 1,208,405 alleles (0.00017%); highest among the groups gnomAD compares: Admixed American, 0.0043%; no homozygotes.

Submission:

Labcorp Genetics (formerly Invitae), Labcorp
Classification: Uncertain significance for Kabuki syndrome 2. Last evaluated: 2024-10-22. Review status: criteria provided, single submitter. Criteria: Invitae Variant Classification Sherloc (09022015). Collection method: clinical testing. Allele origin: germline.
Comment: This sequence change replaces lysine, which is basic and polar, with arginine, which is basic and polar, at codon 1301 of the KDM6A protein (p.Lys1301Arg). This variant is not present in population databases (gnomAD no frequency). This variant has not been reported in the literature in individuals affected with KDM6A-related conditions. ClinVar contains an entry for this variant (Variation ID: 1363162). Invitae Evidence Modeling of protein sequence and biophysical properties (such as structural, functional, and spatial information, amino acid conservation, physicochemical variation, residue mobility, and thermodynamic stability) indicates that this missense variant is not expected to disrupt KDM6A protein function with a negative predictive value of 80%. In summary, the available evidence is currently insufficient to determine the role of this variant in disease. Therefore, it has been classified as a Variant of Uncertain Significance.

NM_001291415.2(KDM6A):c.4058A>G (p.Lys1353Arg)

Gene: KDM6A (lysine demethylase 6A; plus strand). Cytogenetic location: Xp11.3.
Variant type: single nucleotide variant.
Coding change: c.4058A>G on transcript NM_001291415.2 (MANE Select); coding-DNA position 4058, A replaced by G.
Protein change: p.Lys1353Arg; replaces lysine 1353 with arginine.
Molecular consequence: missense variant. On other transcripts: non-coding transcript variant (1).
Genome position (GRCh38, 1-based): chrX:45,107,433, A>G. VCF-style: chrX-45107433-A-G. GRCh37 (hg19) VCF-style: chrX-44966678-A-G.
Other names: c.3923A>G, p.Lys1308Arg (NM_001291416.2); c.3767A>G, p.Lys1256Arg (NM_001291417.2); c.3665A>G, p.Lys1222Arg (NM_001291418.2); c.3014A>G, p.Lys1005Arg (NM_001291421.2); c.3902A>G, p.Lys1301Arg (NM_021140.4); short protein forms K1222R, K1353R, K1256R, K1301R, K1308R, K1005R.
Identifiers: ClinVar variation 1363162 (VCV001363162.8), dbSNP rs2148288019, ClinGen allele CA412774481.